The following is an entry in ClinVar:

NM_001128178.3(NPHP1):c.689C>T (p.Ala230Val)

Gene: NPHP1 (nephrocystin 1; minus strand). Cytogenetic location: 2q13.
Variant type: single nucleotide variant.
Coding change: c.689C>T on transcript NM_001128178.3 (MANE Select); coding-DNA position 689, C replaced by T.
Protein change: p.Ala230Val; replaces alanine 230 with valine.
Molecular consequence: missense variant.
Genome position (GRCh38, 1-based): chr2:110,165,091, G>A on the plus strand (C>T on the coding strand, the complement: NPHP1 is on the minus strand). VCF-style: chr2-110165091-G-A. GRCh37 (hg19) VCF-style: chr2-110922668-G-A.
Other names: p.Ala230Val; c.689C>T, p.Ala230Val (NM_000272.5, NM_001374256.1, NM_001374257.1 and 1 more transcripts); c.503C>T, p.Ala168Val (NM_001128179.3); c.689C>T (NM_000272.4); short protein forms A230V, A168V.
Identifiers: ClinVar variation 235470 (VCV000235470.27), dbSNP rs113450177, ClinGen allele CA1827310.

ClinVar aggregate classification (germline): Benign/Likely benign. Review status: criteria provided, multiple submitters, no conflicts (2 of 4 stars). 10 submissions from 8 submitters: Benign (6); Likely benign (4). Last evaluated 2026-02-02.

Conditions:
Kidney disorder. Also called: renal disorder; Nephropathy; renal disease; Kidney disease; Kidney Diseases. Identifiers: MedGen C0022658, MONDO:0005240, HP:0000112.
Nephronophthisis. Also called: Juvenile Nephronophthisis. Identifiers: Orphanet 655, MedGen C0687120, MONDO:0019005, HP:0000090.
Nephronophthisis 1 (NPHP1). Also called: Nephronophthisis familial juvenile. Identifiers: Orphanet 655, Orphanet 93592, MedGen C1855681, MONDO:0009728, OMIM 256100.
Senior-Loken syndrome 1 (SLSN1). Also called: JUVENILE NEPHRONOPHTHISIS WITH LEBER AMAUROSIS. Identifiers: Orphanet 3156, MedGen C4551559, MONDO:0009962, OMIM 266900.
Joubert syndrome with renal defect. Also called: JOUBERT SYNDROME 4. Identifiers: Orphanet 220497, MedGen C1846790, MONDO:0012308, OMIM 609583.

Allele frequency attached by ClinVar (database versions not stated): gnomAD exomes 0.00105 and 0.00273; ExAC 0.00355; 1000 Genomes Project 0.00978; gnomAD 0.01042 and 0.01140; 1000 Genomes Project 30x 0.01077; ESP Exome Variant Server 0.01138; TOPMed 0.01256.
gnomAD v4.1: 3,169 of 1,613,368 alleles (0.2%); highest among the groups gnomAD compares: African/African-American, 3.7%; 61 homozygotes.

Submissions (17):

Labcorp Genetics (formerly Invitae), Labcorp
Classification: Benign for Nephronophthisis. Last evaluated: 2026-02-02. Review status: criteria provided, single submitter. Criteria: Invitae Variant Classification Sherloc (09022015). Collection method: clinical testing. Allele origin: germline.

Mayo Clinic Laboratories, Mayo Clinic
Classification: Benign. Last evaluated: 2024-11-19. Review status: criteria provided, single submitter. Criteria: ACMG Guidelines, 2015. Collection method: clinical testing. Allele origin: germline. Observed: 15 variant alleles.
Comment: BS1, BS2, BP4

GeneDx
Classification: Likely benign. Last evaluated: 2020-06-03. Review status: criteria provided, single submitter. Criteria: GeneDx Variant Classification Process June 2021. Collection method: clinical testing. Allele origin: germline. Affected: yes.

Illumina Laboratory Services, Illumina
Classification: Benign for Senior-Loken syndrome 1. Last evaluated: 2017-04-27. Review status: criteria provided, single submitter. Criteria: ICSL Variant Classification Criteria 13 December 2019. Collection method: clinical testing. Allele origin: germline.
Comment: This variant was observed as part of a predisposition screen in an ostensibly healthy population. A literature search was performed for the gene, cDNA change, and amino acid change (where applicable). No publications were found based on this search. Allele frequency data from public databases was too high to be consistent with this variant causing disease. Therefore, this variant is classified as benign.

Illumina Laboratory Services, Illumina
Classification: Benign for Joubert syndrome with renal defect. Last evaluated: 2017-04-27. Review status: criteria provided, single submitter. Criteria: ICSL Variant Classification Criteria 13 December 2019. Collection method: clinical testing. Allele origin: germline.
Comment: the same text as in the submission from Illumina Laboratory Services, Illumina above.

Illumina Laboratory Services, Illumina
Classification: Benign for Nephronophthisis 1. Last evaluated: 2017-04-27. Review status: criteria provided, single submitter. Criteria: ICSL Variant Classification Criteria 13 December 2019. Collection method: clinical testing. Allele origin: germline.
Comment: the same text as in the submission from Illumina Laboratory Services, Illumina above.

Genome Diagnostics Laboratory, The Hospital for Sick Children
Classification: Likely benign for Kidney disorder. Last evaluated: 2016-12-12. Review status: criteria provided, single submitter. Criteria: ACMG Guidelines, 2015. Collection method: clinical testing. Allele origin: germline.

Center for Pediatric Genomic Medicine, Children's Mercy Hospital and Clinics
Classification: Likely benign. Last evaluated: 2015-06-04. Review status: criteria provided, single submitter. Criteria: ACMG Guidelines, 2015. Collection method: clinical testing. Allele origin: germline.
ClinVar note: Converted during submission from Likely Benign to Likely benign.

Breakthrough Genomics
Classification: Likely benign. Review status: criteria provided, single submitter. Criteria: ACMG Guidelines, 2015. Collection method: not provided. Allele origin: germline. Inheritance: Autosomal recessive inheritance. Affected: yes.

PreventionGenetics, part of Exact Sciences
Classification: Benign. Review status: criteria provided, single submitter. Criteria: ACMG Guidelines, 2015. Collection method: clinical testing. Allele origin: germline.

Dr. Peter K. Rogan Lab, Western University
No classification provided (evidence only). Condition: Clear cell carcinoma of kidney. Review status: no classification provided. Collection method: in vitro. Allele origin: not applicable. Functional consequence: retained intron. Not counted in ClinVar's aggregate classification.

Dr. Peter K. Rogan Lab, Western University
No classification provided (evidence only). Condition: Lung cancer. Review status: no classification provided. Collection method: in vitro. Allele origin: not applicable. Functional consequence: retained intron. Not counted in ClinVar's aggregate classification.

Dr. Peter K. Rogan Lab, Western University
No classification provided (evidence only). Condition: Lung cancer. Review status: no classification provided. Collection method: in vitro. Allele origin: not applicable. Functional consequence: retained intron. Not counted in ClinVar's aggregate classification.

Dr. Peter K. Rogan Lab, Western University
No classification provided (evidence only). Condition: Acute myeloid leukemia. Review status: no classification provided. Collection method: in vitro. Allele origin: not applicable. Functional consequence: retained intron. Not counted in ClinVar's aggregate classification.

Dr. Peter K. Rogan Lab, Western University
No classification provided (evidence only). Condition: Thyroid cancer, nonmedullary, 1. Review status: no classification provided. Collection method: in vitro. Allele origin: not applicable. Functional consequence: retained intron. Not counted in ClinVar's aggregate classification.

Dr. Peter K. Rogan Lab, Western University
No classification provided (evidence only). Condition: Thyroid cancer, nonmedullary, 1. Review status: no classification provided. Collection method: in vitro. Allele origin: not applicable. Functional consequence: retained intron. Not counted in ClinVar's aggregate classification.

Dr. Peter K. Rogan Lab, Western University
No classification provided (evidence only). Condition: Cervical cancer. Review status: no classification provided. Collection method: in vitro. Allele origin: not applicable. Functional consequence: retained intron. Not counted in ClinVar's aggregate classification.